The following is an entry in ClinVar:

NM_198578.4(LRRK2):c.6084G>A (p.Gly2028=)

Gene: LRRK2 (leucine rich repeat kinase 2; plus strand). Cytogenetic location: 12q12.
Variant type: single nucleotide variant.
Coding change: c.6084G>A on transcript NM_198578.4 (MANE Select); coding-DNA position 6084, G replaced by A.
Protein change: p.Gly2028=; no amino-acid change (glycine 2028 retained).
Molecular consequence: synonymous variant.
Genome position (GRCh38, 1-based): chr12:40,340,429, G>A. VCF-style: chr12-40340429-G-A. GRCh37 (hg19) VCF-style: chr12-40734231-G-A.
Identifiers: ClinVar variation 1751469 (VCV001751469.4), dbSNP rs773715764, ClinGen allele CA6514598.

ClinVar aggregate classification (germline): Likely benign. Review status: criteria provided, multiple submitters, no conflicts (2 of 4 stars). 2 submissions from 2 submitters: Likely benign (2). Last evaluated 2026-04-01.

Conditions:
Inborn genetic diseases. Identifiers: MedGen C0950123, MeSH D030342.

Allele frequency attached by ClinVar (database versions not stated): ExAC 0.00003; gnomAD exomes 0.00003.
gnomAD v4.1: 39 of 1,613,818 alleles (0.0024%); highest among the groups gnomAD compares: Non-Finnish European, 0.0033%; no homozygotes.

Submissions (2):

CeGaT Center for Human Genetics Tuebingen
Classification: Likely benign. Last evaluated: 2026-04-01. Review status: criteria provided, single submitter. Criteria: CeGaT Center For Human Genetics Tuebingen Variant Classification Criteria Version 2. Collection method: clinical testing. Allele origin: germline. Affected: yes. Observed: 1 variant allele.
Comment: LRRK2: BP4, BP7

Ambry Genetics
Classification: Likely benign for Inborn genetic diseases. Last evaluated: 2022-07-27. Review status: criteria provided, single submitter. Criteria: Ambry Variant Classification Scheme 2023. Collection method: clinical testing. Allele origin: germline.